The following is an entry in ClinVar:

ClinVar aggregate classification (germline): Uncertain significance (1 of 4 stars; one submission).

Conditions:
Cardiovascular phenotype. Identifiers: MedGen CN230736.

gnomAD v4.1: 18 of 1,545,564 alleles (0.0012%); highest among the groups gnomAD compares: Non-Finnish European, 0.0015%; no homozygotes.

Submission:

Ambry Genetics
Classification: Uncertain significance for Cardiovascular phenotype. Last evaluated: 2026-01-18. Review status: criteria provided, single submitter. Criteria: Ambry Variant Classification Scheme 2023. Collection method: clinical testing. Allele origin: germline.
Comment: The p.V626A variant (also known as c.1877T>C), located in coding exon 15 of the ENG gene, results from a T to C substitution at nucleotide position 1877. The valine at codon 626 is replaced by alanine, an amino acid with similar properties. This amino acid position is conserved. In addition, this alteration is predicted to be tolerated by in silico analysis. Based on the available evidence, the clinical significance of this variant remains unclear.

NM_001114753.3(ENG):c.1877T>C (p.Val626Ala)

Gene: ENG (endoglin; minus strand). Cytogenetic location: 9q34.11.
Variant type: single nucleotide variant.
Coding change: c.1877T>C on transcript NM_001114753.3 (MANE Select); coding-DNA position 1877, T replaced by C.
Protein change: p.Val626Ala; replaces valine 626 with alanine.
Molecular consequence: missense variant. On other transcripts: 3 prime UTR variant (1).
Genome position (GRCh38, 1-based): chr9:127,815,782, A>G on the plus strand (T>C on the coding strand, the complement: ENG is on the minus strand). VCF-style: chr9-127815782-A-G. GRCh37 (hg19) VCF-style: chr9-130578061-A-G.
Other names: c.*135T>C (NM_000118.4); c.1331T>C, p.Val444Ala (NM_001278138.2); short protein forms V444A, V626A.
Identifiers: ClinVar variation 4836712 (VCV004836712.1).
Genomic context (GRCh38, chr9:127,815,782, plus strand): 5'-CTCCCGATGCTGTGGTTGGTGCTGCTGCTCTCCGAGGAGGCCGGGGCAGCCACCGCCACC[A>G]CGGGCTCCCGCTTGCTGGGGGAACCTGGGAGCGGGAGCGGGGGCAGGGGCGGAGGTCAGG-3'
Protein context (NP_001108225.1, residues 616-636): HTRSPSKREP[Val626Ala]VAVAAPASSE